The following is an entry in ClinVar:

ClinVar aggregate classification (germline): Uncertain significance (1 of 4 stars; one submission).

Submission:

Labcorp Genetics (formerly Invitae), Labcorp
Classification: Uncertain significance. Last evaluated: 2021-08-25. Review status: criteria provided, single submitter. Criteria: Invitae Variant Classification Sherloc (09022015). Collection method: clinical testing. Allele origin: germline.
Comment: In summary, the available evidence is currently insufficient to determine the role of this variant in disease. Therefore, it has been classified as a Variant of Uncertain Significance. Algorithms developed to predict the effect of sequence changes on RNA splicing suggest that this variant may create or strengthen a splice site. Algorithms developed to predict the effect of missense changes on protein structure and function are either unavailable or do not agree on the potential impact of this missense change (SIFT: "Deleterious"; PolyPhen-2: "Benign"; Align-GVGD: "Class C25"). This variant has not been reported in the literature in individuals affected with MPDZ-related conditions. This variant is not present in population databases (ExAC no frequency). This sequence change replaces lysine with arginine at codon 1368 of the MPDZ protein (p.Lys1368Arg). The lysine residue is highly conserved and there is a small physicochemical difference between lysine and arginine.

NM_001378778.1(MPDZ):c.4103A>G (p.Lys1368Arg)

Gene: MPDZ (multiple PDZ domain crumbs cell polarity complex component; minus strand). Cytogenetic location: 9p23.
Variant type: single nucleotide variant.
Coding change: c.4103A>G on transcript NM_001378778.1 (MANE Select); coding-DNA position 4103, A replaced by G.
Protein change: p.Lys1368Arg; replaces lysine 1368 with arginine.
Molecular consequence: missense variant.
Genome position (GRCh38, 1-based): chr9:13,138,054, T>C on the plus strand (A>G on the coding strand, the complement: MPDZ is on the minus strand). VCF-style: chr9-13138054-T-C. GRCh37 (hg19) VCF-style: chr9-13138053-T-C.
Other names: c.4004A>G, p.Lys1335Arg (NM_001261406.2, NM_001261407.2, NM_001375416.1 and 3 more transcripts); c.4103A>G, p.Lys1368Arg (NM_001330637.2, NM_001375413.1, NM_003829.5); c.3893A>G, p.Lys1298Arg (NM_001375420.1, NM_001375421.1, NM_001375422.1 and 4 more transcripts); c.3695A>G, p.Lys1232Arg (NM_001375427.1); short protein forms K1368R, K1298R, K1335R, K1232R.
Identifiers: ClinVar variation 1515171 (VCV001515171.6), dbSNP rs2132358001, ClinGen allele CA372949233.